The following is an entry in ClinVar:

NM_007294.4(BRCA1):c.1486C>A (p.Arg496Ser)

Gene: BRCA1 (BRCA1 DNA repair associated; minus strand). Cytogenetic location: 17q21.31.
Variant type: single nucleotide variant.
Coding change: c.1486C>A on transcript NM_007294.4 (MANE Select); coding-DNA position 1486, C replaced by A.
Protein change: p.Arg496Ser; replaces arginine 496 with serine.
Molecular consequence: missense variant. On other transcripts: intron variant (137).
Genome position (GRCh38, 1-based): chr17:43,094,045, G>T on the plus strand (C>A on the coding strand, the complement: BRCA1 is on the minus strand). VCF-style: chr17-43094045-G-T. GRCh37 (hg19) VCF-style: chr17-41246062-G-T.
Other names: c.1342C>A, p.Arg448Ser (NM_001407740.1, NM_001407741.1, NM_001407742.1 and 20 more transcripts); c.1345C>A, p.Arg449Ser (NM_001407750.1, NM_001407751.1, NM_001407752.1 and 29 more transcripts); c.1273C>A, p.Arg425Ser (NM_001407853.1, NM_001407894.1, NM_001407895.1 and 9 more transcripts); c.1486C>A, p.Arg496Ser (NM_001407854.1, NM_001407858.1, NM_001407859.1 and 30 more transcripts); c.1483C>A, p.Arg495Ser (NM_001407860.1, NM_001407861.1, NM_001407587.1 and 22 more transcripts); c.1285C>A, p.Arg429Ser (NM_001407862.1); c.1363C>A, p.Arg455Ser (NM_001407863.1, NM_001407919.1, NM_001407937.1 and 19 more transcripts); c.1282C>A, p.Arg428Ser (NM_001407874.1, NM_001407875.1); and 40 more; short protein forms R496S, R449S, R385S, R428S, R469S, R200S, R328S, R425S.
Identifiers: ClinVar variation 54267 (VCV000054267.17), dbSNP rs28897676, ClinGen allele CA000995.

ClinVar aggregate classification (germline): Conflicting classifications of pathogenicity. Review status: criteria provided, conflicting classifications (1 of 4 stars). 4 submissions from 4 submitters: Uncertain significance (2); Likely benign (1). 1 of the submissions does not count toward it. Last evaluated 2025-11-26.

Conditions:
Hereditary cancer-predisposing syndrome. Also called: Tumor predisposition; Neoplastic Syndromes, Hereditary; Hereditary Cancer Syndrome; Hereditary neoplastic syndrome. Identifiers: Orphanet 140162, MedGen C0027672, MeSH D009386, MONDO:0015356.
Hereditary breast ovarian cancer syndrome. Also called: Hereditary breast and ovarian cancer syndrome (HBOC); Hereditary breast and ovarian cancer syndrome; Hereditary breast and ovarian cancer; Hereditary breast and/or ovarian cancer syndrome; Breast and ovarian cancer; BRCA1- and BRCA2-Associated Hereditary Breast and Ovarian Cancer. Identifiers: Orphanet 145, MedGen C0677776, MeSH D061325, MONDO:0003582. Disease mechanism: loss of function.
Breast-ovarian cancer, familial, susceptibility to, 1 (BROVCA1). Also called: OVARIAN CANCER, SUSCEPTIBILITY TO; BRCA1 Hereditary Breast and Ovarian Cancer. Identifiers: Orphanet 145, MedGen C2676676, MONDO:0011450, OMIM 604370. Disease mechanism: loss of function.

gnomAD v4.1: 5 of 1,613,802 alleles (0.00031%); highest among the groups gnomAD compares: African/African-American, 0.0067%; no homozygotes.

Submissions (4):

Ambry Genetics
Classification: Uncertain significance for Hereditary cancer-predisposing syndrome. Last evaluated: 2025-11-26. Review status: criteria provided, single submitter. Criteria: Ambry Variant Classification Scheme 2023. Collection method: clinical testing. Allele origin: germline.

Labcorp Genetics (formerly Invitae), Labcorp
Classification: Uncertain significance for Hereditary breast ovarian cancer syndrome. Last evaluated: 2025-11-24. Review status: criteria provided, single submitter. Criteria: Invitae Variant Classification Sherloc (09022015). Collection method: clinical testing. Allele origin: germline.
Comment: This sequence change replaces arginine, which is basic and polar, with serine, which is neutral and polar, at codon 496 of the BRCA1 protein (p.Arg496Ser). This variant is present in population databases (rs28897676, gnomAD 0.01%). This missense change has been observed in individual(s) with pancreatic cancer (PMID: 19029836). ClinVar contains an entry for this variant (Variation ID: 54267). Invitae Evidence Modeling of protein sequence and biophysical properties (such as structural, functional, and spatial information, amino acid conservation, physicochemical variation, residue mobility, and thermodynamic stability) indicates that this missense variant is not expected to disrupt BRCA1 protein function with a negative predictive value of 80%. In summary, the available evidence is currently insufficient to determine the role of this variant in disease. Therefore, it has been classified as a Variant of Uncertain Significance.

University of Washington Department of Laboratory Medicine, University of Washington
Classification: Likely benign for Hereditary cancer-predisposing syndrome. Last evaluated: 2023-03-23. Review status: criteria provided, single submitter. Criteria: Dines et al. (Genet Med. 2020). Collection method: curation. Allele origin: germline.
Comment: Missense variant in a coldspot region where missense variants are very unlikely to be pathogenic (PMID:31911673).

BRCA1 coldspot (exon 11 using historical exon numbering). Reclassification based on statistical prior probability

Breast Cancer Information Core (BIC) (BRCA1)
Classification: Uncertain significance for Breast-ovarian cancer, familial 1. Last evaluated: 2004-11-25. Review status: no assertion criteria provided. Collection method: clinical testing. Allele origin: germline. Affected: yes. Observed: 1 variant allele. Not counted in ClinVar's aggregate classification.

Literature cited by the submitters: PubMed 19029836 (cited by Labcorp Genetics (formerly Invitae), Labcorp).